The following is an entry in ClinVar:

ClinVar aggregate classification (germline): Benign/Likely benign. Review status: criteria provided, multiple submitters, no conflicts (2 of 4 stars). 4 submissions from 4 submitters: Benign (1); Likely benign (2). 1 of the submissions does not count toward it. Last evaluated 2025-11-21.

Conditions:
CHD8-related disorder. Also called: CHD8-related condition; CHD8-related disorders.

Allele frequency attached by ClinVar (database versions not stated): ExAC 0.00013; gnomAD exomes 0.00014; ESP Exome Variant Server 0.00054; gnomAD 0.00058 and 0.00059; TOPMed 0.00075; 1000 Genomes Project 0.00100; 1000 Genomes Project 30x 0.00109.
gnomAD v4.1: 165 of 1,613,734 alleles (0.01%); highest among the groups gnomAD compares: African/African-American, 0.18%; 1 homozygote.

Submissions (4):

Labcorp Genetics (formerly Invitae), Labcorp
Classification: Likely benign. Last evaluated: 2025-11-21. Review status: criteria provided, single submitter. Criteria: Invitae Variant Classification Sherloc (09022015). Collection method: clinical testing. Allele origin: germline.

Blueprint Genetics
Classification: Likely benign. Last evaluated: 2022-11-07. Review status: criteria provided, single submitter. Criteria: ACMG Guidelines, 2015. Collection method: clinical testing. Allele origin: germline.

GeneDx
Classification: Benign. Last evaluated: 2019-02-19. Review status: criteria provided, single submitter. Criteria: GeneDx Variant Classification Process June 2021. Collection method: clinical testing. Allele origin: germline. Affected: yes.

PreventionGenetics, part of Exact Sciences
Classification: Likely benign for CHD8-related condition. Last evaluated: 2022-04-04. Review status: no assertion criteria provided. Collection method: clinical testing. Allele origin: germline. Not counted in ClinVar's aggregate classification.
Comment: This variant is classified as likely benign based on ACMG/AMP sequence variant interpretation guidelines (Richards et al. 2015 PMID: 25741868, with internal and published modifications).

NM_001170629.2(CHD8):c.3882+6T>C

Gene: CHD8 (chromodomain helicase DNA binding protein 8; minus strand). Cytogenetic location: 14q11.2.
Variant type: single nucleotide variant.
Coding change: c.3882+6T>C on transcript NM_001170629.2 (MANE Select); 6 bases into the intron after coding-DNA position 3882, T replaced by C.
Molecular consequence: intron variant.
Genome position (GRCh38, 1-based): chr14:21,402,330, A>G on the plus strand (T>C on the coding strand, the complement: CHD8 is on the minus strand). VCF-style: chr14-21402330-A-G. GRCh37 (hg19) VCF-style: chr14-21870489-A-G.
Other names: c.3882+6T>C (NM_001170629.1); c.3045+6T>C (NM_020920.4).
Identifiers: ClinVar variation 1278958 (VCV001278958.9), dbSNP rs373037739, ClinGen allele CA7091346.